The following is an entry in ClinVar:

ClinVar aggregate classification (germline): Uncertain significance. Review status: criteria provided, multiple submitters, no conflicts (2 of 4 stars). 2 submissions from 2 submitters: Uncertain significance (2). Last evaluated 2024-11-18.

Conditions:
Perrault syndrome 3 (PRLTS3). Identifiers: Orphanet 2855, MedGen C3808414, MONDO:0013588, OMIM 614129.

Allele frequency attached by ClinVar (database versions not stated): TOPMed 0.00001; gnomAD 0.00004; 1000 Genomes Project 0.00040; gnomAD exomes 0.00001; ExAC 0.00004; 1000 Genomes Project 30x 0.00031.
gnomAD v4.1: 34 of 1,583,596 alleles (0.0021%); highest among the groups gnomAD compares: African/African-American, 0.027%; no homozygotes.

Submissions (2):

Labcorp Genetics (formerly Invitae), Labcorp
Classification: Uncertain significance. Last evaluated: 2024-11-18. Review status: criteria provided, single submitter. Criteria: Invitae Variant Classification Sherloc (09022015). Collection method: clinical testing. Allele origin: germline.
Comment: This sequence change replaces valine, which is neutral and non-polar, with alanine, which is neutral and non-polar, at codon 264 of the CLPP protein (p.Val264Ala). This variant is present in population databases (rs112719208, gnomAD 0.02%). This variant has not been reported in the literature in individuals affected with CLPP-related conditions. ClinVar contains an entry for this variant (Variation ID: 2063969). An algorithm developed to predict the effect of missense changes on protein structure and function outputs the following: PolyPhen-2: "Benign". The alanine amino acid residue is found in multiple mammalian species, which suggests that this missense change does not adversely affect protein function. In summary, the available evidence is currently insufficient to determine the role of this variant in disease. Therefore, it has been classified as a Variant of Uncertain Significance.

3billion
Classification: Uncertain significance for Perrault syndrome 3. Last evaluated: 2024-09-20. Review status: criteria provided, single submitter. Criteria: ACMG Guidelines, 2015. Collection method: clinical testing. Allele origin: germline. Affected: no.
Comment: The variant is observed at an extremely low frequency in the gnomAD v2.1.1 dataset. In silico tool predictions suggest no damaging effect of the variant on gene or gene product [REVEL: 0.02 (<0.4)]. Therefore, this variant was classified as uncertain significance.

NM_006012.4(CLPP):c.791T>C (p.Val264Ala)

Gene: CLPP (caseinolytic mitochondrial matrix peptidase proteolytic subunit; plus strand). Cytogenetic location: 19p13.3.
Variant type: single nucleotide variant.
Coding change: c.791T>C on transcript NM_006012.4 (MANE Select); coding-DNA position 791, T replaced by C.
Protein change: p.Val264Ala; replaces valine 264 with alanine.
Molecular consequence: missense variant.
Genome position (GRCh38, 1-based): chr19:6,368,667, T>C. VCF-style: chr19-6368667-T-C. GRCh37 (hg19) VCF-style: chr19-6368678-T-C.
Other names: short protein forms V264A.
Identifiers: ClinVar variation 2063969 (VCV002063969.6), dbSNP rs112719208, ClinGen allele CA9123027.